The following is an entry in ClinVar:

ClinVar aggregate classification (germline): Uncertain significance (1 of 4 stars; one submission).

Conditions:
Emery-Dreifuss muscular dystrophy 5, autosomal dominant (EDMD5). Also called: EMERY-DREIFUSS MUSCULAR DYSTROPHY 5. Identifiers: Orphanet 261, MedGen C2751805, MONDO:0013072, OMIM 612999.

Submission:

Labcorp Genetics (formerly Invitae), Labcorp
Classification: Uncertain significance for Emery-Dreifuss muscular dystrophy 5, autosomal dominant. Last evaluated: 2018-10-26. Review status: criteria provided, single submitter. Criteria: Invitae Variant Classification Sherloc (09022015). Collection method: clinical testing. Allele origin: germline.
Comment: This variant has not been reported in the literature in individuals with SYNE2-related disease. This variant is not present in population databases (ExAC no frequency). This sequence change replaces threonine with proline at codon 682 of the SYNE2 protein (p.Thr682Pro). The threonine residue is weakly conserved and there is a small physicochemical difference between threonine and proline. Algorithms developed to predict the effect of missense changes on protein structure and function (SIFT, PolyPhen-2, Align-GVGD) all suggest that this variant is likely to be tolerated, but these predictions have not been confirmed by published functional studies and their clinical significance is uncertain. In summary, the available evidence is currently insufficient to determine the role of this variant in disease. Therefore, it has been classified as a Variant of Uncertain Significance.

NM_182914.3(SYNE2):c.2044A>C (p.Thr682Pro)

Gene: SYNE2 (spectrin repeat containing nuclear envelope protein 2; plus strand). Cytogenetic location: 14q23.2.
Variant type: single nucleotide variant.
Coding change: c.2044A>C on transcript NM_182914.3 (MANE Select); coding-DNA position 2044, A replaced by C.
Protein change: p.Thr682Pro; replaces threonine 682 with proline.
Molecular consequence: missense variant.
Genome position (GRCh38, 1-based): chr14:63,983,779, A>C. VCF-style: chr14-63983779-A-C. GRCh37 (hg19) VCF-style: chr14-64450497-A-C.
Other names: c.2044A>C, p.Thr682Pro (NM_015180.6); short protein forms T682P.
Identifiers: ClinVar variation 663650 (VCV000663650.8), dbSNP rs1594659210, ClinGen allele CA389964815.